The following is an entry in ClinVar:

ClinVar aggregate classification (germline): Uncertain significance (1 of 4 stars; one submission).

Submission:

Women's Health and Genetics/Laboratory Corporation of America, LabCorp
Classification: Uncertain significance. Last evaluated: 2024-01-10. Review status: criteria provided, single submitter. Criteria: LabCorp Variant Classification Summary - May 2015. Collection method: clinical testing. Allele origin: germline.
Comment: Variant summary: KDM3B c.3398C>A (p.Ser1133Tyr) results in a non-conservative amino acid change in the encoded protein sequence. Three of five in-silico tools predict a benign effect of the variant on protein function. The variant was absent in 1606944 control chromosomes. The available data on variant occurrences in the general population are insufficient to allow any conclusion about variant significance. To our knowledge, no occurrence of c.3398C>A in individuals affected with KDM3B-Related Disorders and no experimental evidence demonstrating its impact on protein function have been reported. No submitters have cited clinical-significance assessments for this variant to ClinVar. Based on the evidence outlined above, the variant was classified as uncertain significance.

NM_016604.4(KDM3B):c.3398C>A (p.Ser1133Tyr)

Gene: KDM3B (lysine demethylase 3B; plus strand). Cytogenetic location: 5q31.2.
Variant type: single nucleotide variant.
Coding change: c.3398C>A on transcript NM_016604.4 (MANE Select); coding-DNA position 3398, C replaced by A.
Protein change: p.Ser1133Tyr; replaces serine 1133 with tyrosine.
Molecular consequence: missense variant.
Genome position (GRCh38, 1-based): chr5:138,417,573, C>A. VCF-style: chr5-138417573-C-A. GRCh37 (hg19) VCF-style: chr5-137753262-C-A.
Other names: short protein forms S1133Y.
Identifiers: ClinVar variation 3063835 (VCV003063835.1), dbSNP rs2480286347, ClinGen allele CA361087241.
Genomic context (GRCh38, chr5:138,417,573, plus strand): 5'-CTGCCCGGGGCAAGTGGGGAATTAAAGCAAACTGCCCTTGTATCAGTCGACAGAACAAAT[C>A]TGTATTGAGACCTGCCGTCACCAATGGGATGTCACAGGTAAACTGGTGTGTGTGGGTATA-3'
Protein context (NP_057688.3, residues 1123-1143): NCPCISRQNK[Ser1133Tyr]VLRPAVTNGM